The following is an entry in ClinVar:

NM_005529.7(HSPG2):c.8322C>T (p.Arg2774=)

Gene: HSPG2 (heparan sulfate proteoglycan 2; minus strand). Cytogenetic location: 1p36.12.
Variant type: single nucleotide variant.
Coding change: c.8322C>T on transcript NM_005529.7 (MANE Select); coding-DNA position 8322, C replaced by T.
Protein change: p.Arg2774=; no amino-acid change (arginine 2774 retained).
Molecular consequence: synonymous variant.
Genome position (GRCh38, 1-based): chr1:21,846,250, G>A on the plus strand (C>T on the coding strand, the complement: HSPG2 is on the minus strand). VCF-style: chr1-21846250-G-A. GRCh37 (hg19) VCF-style: chr1-22172743-G-A.
Other names: c.8325C>T, p.Arg2775= (NM_001291860.2).
Identifiers: ClinVar variation 2887004 (VCV002887004.13), dbSNP rs761872191, ClinGen allele CA670817.

ClinVar aggregate classification (germline): Likely benign. Review status: criteria provided, multiple submitters, no conflicts (2 of 4 stars). 2 submissions from 2 submitters: Likely benign (2). Last evaluated 2025-05-01.

gnomAD v4.1: 134 of 1,612,934 alleles (0.0083%); highest among the groups gnomAD compares: Middle Eastern, 0.016%; no homozygotes.

Submissions (2):

CeGaT Center for Human Genetics Tuebingen
Classification: Likely benign. Last evaluated: 2025-05-01. Review status: criteria provided, single submitter. Criteria: CeGaT Center For Human Genetics Tuebingen Variant Classification Criteria Version 2. Collection method: clinical testing. Allele origin: germline. Affected: yes. Observed: 1 variant allele.
Comment: HSPG2: BP4, BP7

Labcorp Genetics (formerly Invitae), Labcorp
Classification: Likely benign. Last evaluated: 2023-05-12. Review status: criteria provided, single submitter. Criteria: Invitae Variant Classification Sherloc (09022015). Collection method: clinical testing. Allele origin: germline.